The following is an entry in ClinVar:

NM_001457.4(FLNB):c.7760G>C (p.Trp2587Ser)

Gene: FLNB (filamin B; plus strand). Cytogenetic location: 3p14.3.
Variant type: single nucleotide variant.
Coding change: c.7760G>C on transcript NM_001457.4 (MANE Select); coding-DNA position 7760, G replaced by C.
Protein change: p.Trp2587Ser; replaces tryptophan 2587 with serine.
Molecular consequence: missense variant.
Genome position (GRCh38, 1-based): chr3:58,170,713, G>C. VCF-style: chr3-58170713-G-C. GRCh37 (hg19) VCF-style: chr3-58156440-G-C.
Other names: c.7853G>C, p.Trp2618Ser (NM_001164317.2); c.7727G>C, p.Trp2576Ser (NM_001164318.2); c.7688G>C, p.Trp2563Ser (NM_001164319.2); short protein forms W2563S, W2576S, W2587S, W2618S.
Identifiers: ClinVar variation 2380785 (VCV002380785.5), dbSNP rs144321868, ClinGen allele CA2469787.

ClinVar aggregate classification (germline): Uncertain significance. Review status: criteria provided, multiple submitters, no conflicts (2 of 4 stars). 2 submissions from 2 submitters: Uncertain significance (2). Last evaluated 2025-03-11.

Conditions:
Inborn genetic diseases. Identifiers: MedGen C0950123, MeSH D030342.

gnomAD v4.1: 24 of 1,613,954 alleles (0.0015%); highest among the groups gnomAD compares: Admixed American, 0.0033%; no homozygotes.

Submissions (2):

Labcorp Genetics (formerly Invitae), Labcorp
Classification: Uncertain significance. Last evaluated: 2025-03-11. Review status: criteria provided, single submitter. Criteria: Invitae Variant Classification Sherloc (09022015). Collection method: clinical testing. Allele origin: germline.
Comment: This sequence change replaces tryptophan, which is neutral and slightly polar, with serine, which is neutral and polar, at codon 2587 of the FLNB protein (p.Trp2587Ser). This variant is present in population databases (rs144321868, gnomAD 0.003%). This variant has not been reported in the literature in individuals affected with FLNB-related conditions. ClinVar contains an entry for this variant (Variation ID: 2380785). Invitae Evidence Modeling of protein sequence and biophysical properties (such as structural, functional, and spatial information, amino acid conservation, physicochemical variation, residue mobility, and thermodynamic stability) has been performed for this missense variant. However, the output from this modeling did not meet the statistical confidence thresholds required to predict the impact of this variant on FLNB protein function. In summary, the available evidence is currently insufficient to determine the role of this variant in disease. Therefore, it has been classified as a Variant of Uncertain Significance.

Ambry Genetics
Classification: Uncertain significance for Inborn genetic diseases. Last evaluated: 2021-06-18. Review status: criteria provided, single submitter. Criteria: Ambry Variant Classification Scheme 2023. Collection method: clinical testing. Allele origin: germline.